The following continues an entry in ClinVar:

NM_000132.4(F8):c.3637del (p.Ile1213fs)

Gene: F8. ClinVar aggregate classification (germline): Pathogenic. Pathogenic (1).

Literature cited by the submitters: PubMed 29381227 (cited by Mayo Clinic Laboratories, Mayo Clinic and Women's Health and Genetics/Laboratory Corporation of America, LabCorp); PubMed 31064749 (cited by NIHR Bioresource Rare Diseases, University of Cambridge and Lifecell International Pvt. Ltd); PubMed 15569173 (cited by Angelo Bianchi Bonomi Hemophilia and Thrombosis Center, Fondazione IRCCS Ca Granda Ospedale Maggiore Policlinico); PubMed 11102988 (cited by Angelo Bianchi Bonomi Hemophilia and Thrombosis Center, Fondazione IRCCS Ca Granda Ospedale Maggiore Policlinico); PubMed 15996930 (cited by Angelo Bianchi Bonomi Hemophilia and Thrombosis Center, Fondazione IRCCS Ca Granda Ospedale Maggiore Policlinico); PubMed 8644728 (cited by Angelo Bianchi Bonomi Hemophilia and Thrombosis Center, Fondazione IRCCS Ca Granda Ospedale Maggiore Policlinico); PubMed 16834740 (cited by Angelo Bianchi Bonomi Hemophilia and Thrombosis Center, Fondazione IRCCS Ca Granda Ospedale Maggiore Policlinico); PubMed 12204009 (cited by Angelo Bianchi Bonomi Hemophilia and Thrombosis Center, Fondazione IRCCS Ca Granda Ospedale Maggiore Policlinico); PubMed 18403393 (cited by Angelo Bianchi Bonomi Hemophilia and Thrombosis Center, Fondazione IRCCS Ca Granda Ospedale Maggiore Policlinico); PubMed 20300295 (cited by Angelo Bianchi Bonomi Hemophilia and Thrombosis Center, Fondazione IRCCS Ca Granda Ospedale Maggiore Policlinico); PubMed 11857744 (cited by Angelo Bianchi Bonomi Hemophilia and Thrombosis Center, Fondazione IRCCS Ca Granda Ospedale Maggiore Policlinico); PubMed 16769589 (cited by Angelo Bianchi Bonomi Hemophilia and Thrombosis Center, Fondazione IRCCS Ca Granda Ospedale Maggiore Policlinico); PubMed 15921397 (cited by Angelo Bianchi Bonomi Hemophilia and Thrombosis Center, Fondazione IRCCS Ca Granda Ospedale Maggiore Policlinico); PubMed 18600086 (cited by Angelo Bianchi Bonomi Hemophilia and Thrombosis Center, Fondazione IRCCS Ca Granda Ospedale Maggiore Policlinico); PubMed 10896236 (cited by Angelo Bianchi Bonomi Hemophilia and Thrombosis Center, Fondazione IRCCS Ca Granda Ospedale Maggiore Policlinico); PubMed 18691168 (cited by Angelo Bianchi Bonomi Hemophilia and Thrombosis Center, Fondazione IRCCS Ca Granda Ospedale Maggiore Policlinico); PubMed 12871415 (cited by Angelo Bianchi Bonomi Hemophilia and Thrombosis Center, Fondazione IRCCS Ca Granda Ospedale Maggiore Policlinico); PubMed 15810915 (cited by Angelo Bianchi Bonomi Hemophilia and Thrombosis Center, Fondazione IRCCS Ca Granda Ospedale Maggiore Policlinico); PubMed 20193250 (cited by Angelo Bianchi Bonomi Hemophilia and Thrombosis Center, Fondazione IRCCS Ca Granda Ospedale Maggiore Policlinico); PubMed 11298607 (cited by Angelo Bianchi Bonomi Hemophilia and Thrombosis Center, Fondazione IRCCS Ca Granda Ospedale Maggiore Policlinico); PubMed 16128892 (cited by Angelo Bianchi Bonomi Hemophilia and Thrombosis Center, Fondazione IRCCS Ca Granda Ospedale Maggiore Policlinico); PubMed 11410838 (cited by Angelo Bianchi Bonomi Hemophilia and Thrombosis Center, Fondazione IRCCS Ca Granda Ospedale Maggiore Policlinico); PubMed 8307558 (cited by Angelo Bianchi Bonomi Hemophilia and Thrombosis Center, Fondazione IRCCS Ca Granda Ospedale Maggiore Policlinico and OMIM); PubMed 10519986 (cited by Angelo Bianchi Bonomi Hemophilia and Thrombosis Center, Fondazione IRCCS Ca Granda Ospedale Maggiore Policlinico); PubMed 11843836 (cited by Angelo Bianchi Bonomi Hemophilia and Thrombosis Center, Fondazione IRCCS Ca Granda Ospedale Maggiore Policlinico); PubMed 7794769 (cited by Angelo Bianchi Bonomi Hemophilia and Thrombosis Center, Fondazione IRCCS Ca Granda Ospedale Maggiore Policlinico); PubMed 17445092 (cited by Angelo Bianchi Bonomi Hemophilia and Thrombosis Center, Fondazione IRCCS Ca Granda Ospedale Maggiore Policlinico); PubMed 20102490 (cited by Angelo Bianchi Bonomi Hemophilia and Thrombosis Center, Fondazione IRCCS Ca Granda Ospedale Maggiore Policlinico); PubMed 19473408 (cited by Angelo Bianchi Bonomi Hemophilia and Thrombosis Center, Fondazione IRCCS Ca Granda Ospedale Maggiore Policlinico); PubMed 11442643 (cited by Angelo Bianchi Bonomi Hemophilia and Thrombosis Center, Fondazione IRCCS Ca Granda Ospedale Maggiore Policlinico); PubMed 11341489 (cited by Angelo Bianchi Bonomi Hemophilia and Thrombosis Center, Fondazione IRCCS Ca Granda Ospedale Maggiore Policlinico); PubMed 16601827 (cited by Angelo Bianchi Bonomi Hemophilia and Thrombosis Center, Fondazione IRCCS Ca Granda Ospedale Maggiore Policlinico); PubMed 29296726 (cited by Angelo Bianchi Bonomi Hemophilia and Thrombosis Center, Fondazione IRCCS Ca Granda Ospedale Maggiore Policlinico); PubMed 16173970 (cited by Angelo Bianchi Bonomi Hemophilia and Thrombosis Center, Fondazione IRCCS Ca Granda Ospedale Maggiore Policlinico); PubMed 16786531 (cited by Angelo Bianchi Bonomi Hemophilia and Thrombosis Center, Fondazione IRCCS Ca Granda Ospedale Maggiore Policlinico); PubMed 20331753 (cited by Angelo Bianchi Bonomi Hemophilia and Thrombosis Center, Fondazione IRCCS Ca Granda Ospedale Maggiore Policlinico); PubMed 20533009 (cited by Angelo Bianchi Bonomi Hemophilia and Thrombosis Center, Fondazione IRCCS Ca Granda Ospedale Maggiore Policlinico); PubMed 21371196 (cited by Angelo Bianchi Bonomi Hemophilia and Thrombosis Center, Fondazione IRCCS Ca Granda Ospedale Maggiore Policlinico); PubMed 21070499 (cited by Angelo Bianchi Bonomi Hemophilia and Thrombosis Center, Fondazione IRCCS Ca Granda Ospedale Maggiore Policlinico); PubMed 21883705 (cited by Angelo Bianchi Bonomi Hemophilia and Thrombosis Center, Fondazione IRCCS Ca Granda Ospedale Maggiore Policlinico).